The following is an entry in ClinVar:

ClinVar aggregate classification (germline): Uncertain significance. Review status: criteria provided, multiple submitters, no conflicts (2 of 4 stars). 2 submissions from 2 submitters: Uncertain significance (2). Last evaluated 2022-10-25.

Allele frequency attached by ClinVar (database versions not stated): TOPMed below 0.00001; gnomAD 0.00001; gnomAD exomes 0.00003.
gnomAD v4.1: 46 of 1,613,814 alleles (0.0029%); highest among the groups gnomAD compares: Non-Finnish European, 0.0038%; no homozygotes.

Submissions (2):

Labcorp Genetics (formerly Invitae), Labcorp
Classification: Uncertain significance. Last evaluated: 2022-10-25. Review status: criteria provided, single submitter. Criteria: Invitae Variant Classification Sherloc (09022015). Collection method: clinical testing. Allele origin: germline.
Comment: This sequence change replaces threonine, which is neutral and polar, with asparagine, which is neutral and polar, at codon 1053 of the USH2A protein (p.Thr1053Asn). This variant is not present in population databases (gnomAD no frequency). This variant has not been reported in the literature in individuals affected with USH2A-related conditions. ClinVar contains an entry for this variant (Variation ID: 1421737). Algorithms developed to predict the effect of missense changes on protein structure and function are either unavailable or do not agree on the potential impact of this missense change (SIFT: "Deleterious"; PolyPhen-2: "Possibly Damaging"; Align-GVGD: "Class C0"). In summary, the available evidence is currently insufficient to determine the role of this variant in disease. Therefore, it has been classified as a Variant of Uncertain Significance.

Blueprint Genetics
Classification: Uncertain significance. Last evaluated: 2018-10-23. Review status: criteria provided, single submitter. Criteria: ACMG Guidelines, 2015. Collection method: clinical testing. Allele origin: germline.

NM_206933.4(USH2A):c.3158C>A (p.Thr1053Asn)

Genes: USH2A (usherin; minus strand), USH2A-AS1 (USH2A antisense RNA 1; plus strand). Cytogenetic location: 1q41.
Variant type: single nucleotide variant.
Coding change: c.3158C>A on transcript NM_206933.4 (MANE Select); coding-DNA position 3158, C replaced by A.
Protein change: p.Thr1053Asn; replaces threonine 1053 with asparagine.
Molecular consequence: missense variant.
Genome position (GRCh38, 1-based): chr1:216,207,431, G>T on the plus strand (C>A on the coding strand, the complement: USH2A is on the minus strand). VCF-style: chr1-216207431-G-T. GRCh37 (hg19) VCF-style: chr1-216380773-G-T.
Other names: c.3158C>A, p.Thr1053Asn (NM_007123.6); short protein forms T1053N.
Identifiers: ClinVar variation 1421737 (VCV001421737.5), dbSNP rs1463169820, ClinGen allele CA344862647.